The following is an entry in ClinVar:

NM_024408.4(NOTCH2):c.4226G>A (p.Ser1409Asn)

Gene: NOTCH2 (notch receptor 2; minus strand). Cytogenetic location: 1p12.
Variant type: single nucleotide variant.
Coding change: c.4226G>A on transcript NM_024408.4 (MANE Select); coding-DNA position 4226, G replaced by A.
Protein change: p.Ser1409Asn; replaces serine 1409 with asparagine.
Molecular consequence: missense variant.
Genome position (GRCh38, 1-based): chr1:119,925,590, C>T on the plus strand (G>A on the coding strand, the complement: NOTCH2 is on the minus strand). VCF-style: chr1-119925590-C-T. GRCh37 (hg19) VCF-style: chr1-120468213-C-T.
Other names: short protein forms S1409N.
Identifiers: ClinVar variation 3363358 (VCV003363358.1).

ClinVar aggregate classification (germline): Uncertain significance (1 of 4 stars; one submission).

gnomAD v4.1: 1 of 1,614,124 alleles (0.000062%); highest among the groups gnomAD compares: African/African-American, 0.0013%; no homozygotes.

Submission:

GeneDx
Classification: Uncertain significance. Last evaluated: 2023-10-20. Review status: criteria provided, single submitter. Criteria: GeneDx Variant Classification Process June 2021. Collection method: clinical testing. Allele origin: germline. Affected: yes.
Comment: Not observed at significant frequency in large population cohorts (gnomAD); In silico analysis supports that this missense variant does not alter protein structure/function; Has not been previously published as pathogenic or benign to our knowledge